The following is an entry in ClinVar:

NM_198834.3(ACACA):c.5001C>T (p.Asp1667=)

Gene: ACACA (acetyl-CoA carboxylase alpha; minus strand). Cytogenetic location: 17q12.
Variant type: single nucleotide variant.
Coding change: c.5001C>T on transcript NM_198834.3 (MANE Select); coding-DNA position 5001, C replaced by T.
Protein change: p.Asp1667=; no amino-acid change (aspartic acid 1667 retained).
Molecular consequence: synonymous variant.
Genome position (GRCh38, 1-based): chr17:37,179,338, G>A on the plus strand (C>T on the coding strand, the complement: ACACA is on the minus strand). VCF-style: chr17-37179338-G-A. GRCh37 (hg19) VCF-style: chr17-35536279-G-A.
Other names: c.4890C>T, p.Asp1630= (NM_198836.3, NM_198839.3); c.4716C>T, p.Asp1572= (NM_198837.2); c.4656C>T, p.Asp1552= (NM_198838.2).
Identifiers: ClinVar variation 3043663 (VCV003043663.3), dbSNP rs201442473, ClinGen allele CA8514952.

ClinVar aggregate classification (germline): Likely benign. Review status: criteria provided, single submitter (1 of 4 stars). 2 submissions from 2 submitters: Likely benign (1). 1 of the submissions does not count toward it. Last evaluated 2025-07-30.

Conditions:
ACACA-related disorder. Also called: ACACA-related condition.

Allele frequency attached by ClinVar (database versions not stated): gnomAD exomes 0.00001; ExAC 0.00003; ESP Exome Variant Server 0.00008; 1000 Genomes Project 30x 0.00016; gnomAD 0.00019; 1000 Genomes Project 0.00020.
gnomAD v4.1: 50 of 1,614,164 alleles (0.0031%); highest among the groups gnomAD compares: African/African-American, 0.048%; no homozygotes.

Submissions (2):

Labcorp Genetics (formerly Invitae), Labcorp
Classification: Likely benign. Last evaluated: 2025-07-30. Review status: criteria provided, single submitter. Criteria: Invitae Variant Classification Sherloc (09022015). Collection method: clinical testing. Allele origin: germline.

PreventionGenetics, part of Exact Sciences
Classification: Likely benign for ACACA-related condition. Last evaluated: 2019-06-07. Review status: no assertion criteria provided. Collection method: clinical testing. Allele origin: germline. Not counted in ClinVar's aggregate classification.
Comment: This variant is classified as likely benign based on ACMG/AMP sequence variant interpretation guidelines (Richards et al. 2015 PMID: 25741868, with internal and published modifications).